The following is an entry in ClinVar:

ClinVar aggregate classification (germline): Uncertain significance (1 of 4 stars; one submission).

gnomAD v4.1: 2 of 1,613,950 alleles (0.00012%); highest among the groups gnomAD compares: African/African-American, 0.0013%; no homozygotes.

Submission:

Ambry Genetics
Classification: Uncertain significance. Last evaluated: 2025-10-29. Review status: criteria provided, single submitter. Criteria: Ambry Variant Classification Scheme 2023. Collection method: clinical testing. Allele origin: germline.
Comment: The p.E370K variant (also known as c.1108G>A), located in coding exon 4 of the WNK2 gene, results from a G to A substitution at nucleotide position 1108. The glutamic acid at codon 370 is replaced by lysine, an amino acid with similar properties. This amino acid position is conserved. In addition, the in silico prediction for this alteration is inconclusive. Based on the available evidence, the clinical significance of this variant remains unclear.

NM_006648.4(WNK2):c.1108G>A (p.Glu370Lys)

Gene: WNK2 (WNK lysine deficient protein kinase 2; plus strand). Cytogenetic location: 9q22.31.
Variant type: single nucleotide variant.
Coding change: c.1108G>A on transcript NM_006648.4 (MANE Select); coding-DNA position 1108, G replaced by A.
Protein change: p.Glu370Lys; replaces glutamic acid 370 with lysine.
Molecular consequence: missense variant.
Genome position (GRCh38, 1-based): chr9:93,234,840, G>A. VCF-style: chr9-93234840-G-A. GRCh37 (hg19) VCF-style: chr9-95997122-G-A.
Other names: c.1108G>A, p.Glu370Lys (NM_001282394.3); short protein forms E370K.
Identifiers: ClinVar variation 4605318 (VCV004605318.1).
Genomic context (GRCh38, chr9:93,234,840, plus strand): 5'-CAGCTGCGTCTGTTGCTTCCGGGCACAGGTACTCCCGAGTTCATGGCGCCCGAGATGTAC[G>A]AGGAGCACTACGATGAGTCCGTGGACGTCTATGCCTTTGGGATGTGCATGCTGGAGATGG-3'
Protein context (NP_006639.3, residues 360-380): TPEFMAPEMY[Glu370Lys]EHYDESVDVY